The following is an entry in ClinVar:

ClinVar aggregate classification (germline): Uncertain significance. Review status: criteria provided, multiple submitters, no conflicts (2 of 4 stars). 2 submissions from 2 submitters: Uncertain significance (2). Last evaluated 2025-11-01.

Conditions:
Hereditary cancer-predisposing syndrome. Also called: Tumor predisposition; Hereditary Cancer Syndrome; Hereditary neoplastic syndrome; Neoplastic Syndromes, Hereditary. Identifiers: Orphanet 140162, MedGen C0027672, MeSH D009386, MONDO:0015356.
Renal cell carcinoma. Identifiers: Orphanet 217071, MedGen C0007134, MeSH D002292, MONDO:0005086, HP:0005584.

Submissions (2):

Labcorp Genetics (formerly Invitae), Labcorp
Classification: Uncertain significance for Renal cell carcinoma. Last evaluated: 2025-11-01. Review status: criteria provided, single submitter. Criteria: Invitae Variant Classification Sherloc (09022015). Collection method: clinical testing. Allele origin: germline.
Comment: This sequence change replaces valine, which is neutral and non-polar, with glycine, which is neutral and non-polar, at codon 122 of the MET protein (p.Val122Gly). This variant is not present in population databases (gnomAD no frequency). This variant has not been reported in the literature in individuals affected with MET-related conditions. ClinVar contains an entry for this variant (Variation ID: 3294304). Invitae Evidence Modeling of protein sequence and biophysical properties (such as structural, functional, and spatial information, amino acid conservation, physicochemical variation, residue mobility, and thermodynamic stability) indicates that this missense variant is not expected to disrupt MET protein function with a negative predictive value of 80%. In summary, the available evidence is currently insufficient to determine the role of this variant in disease. Therefore, it has been classified as a Variant of Uncertain Significance.

Ambry Genetics
Classification: Uncertain significance for Hereditary cancer-predisposing syndrome. Last evaluated: 2024-06-22. Review status: criteria provided, single submitter. Criteria: Ambry Variant Classification Scheme 2023. Collection method: clinical testing. Allele origin: germline.
Comment: The p.V122G variant (also known as c.365T>G), located in coding exon 1 of the MET gene, results from a T to G substitution at nucleotide position 365. The valine at codon 122 is replaced by glycine, an amino acid with dissimilar properties. This amino acid position is conserved. In addition, the in silico prediction for this alteration is inconclusive. Based on the available evidence, the clinical significance of this variant remains unclear.

NM_000245.4(MET):c.365T>G (p.Val122Gly)

Gene: MET (MET proto-oncogene, receptor tyrosine kinase; plus strand). Cytogenetic location: 7q31.2.
Variant type: single nucleotide variant.
Coding change: c.365T>G on transcript NM_000245.4 (MANE Select); coding-DNA position 365, T replaced by G.
Protein change: p.Val122Gly; replaces valine 122 with glycine.
Molecular consequence: missense variant. On other transcripts: intron variant (1).
Genome position (GRCh38, 1-based): chr7:116,699,449, T>G. VCF-style: chr7-116699449-T-G. GRCh37 (hg19) VCF-style: chr7-116339503-T-G.
Other names: c.365T>G, p.Val122Gly (NM_001127500.3, NM_001324401.3); c.-91+26872T>G (NM_001324402.2); short protein forms V122G.
Identifiers: ClinVar variation 3294304 (VCV003294304.2).